The following is an entry in ClinVar:

ClinVar aggregate classification (germline): Benign. Review status: criteria provided, multiple submitters, no conflicts (2 of 4 stars). 5 submissions from 5 submitters: Benign (4). 1 of the submissions does not count toward it. Last evaluated 2026-01-28.

Conditions:
ABCC2-related disorder. Also called: ABCC2-related condition.

Allele frequency attached by ClinVar (database versions not stated): gnomAD exomes 0.00131 and 0.00294; ExAC 0.00354; gnomAD 0.01038 and 0.01113; 1000 Genomes Project 0.01098; ESP Exome Variant Server 0.01138; TOPMed 0.01162; 1000 Genomes Project 30x 0.01171.
gnomAD v4.1: 3,573 of 1,614,190 alleles (0.22%); highest among the groups gnomAD compares: African/African-American, 3.5%; 50 homozygotes.

Submissions (5):

Labcorp Genetics (formerly Invitae), Labcorp
Classification: Benign. Last evaluated: 2026-01-28. Review status: criteria provided, single submitter. Criteria: Invitae Variant Classification Sherloc (09022015). Collection method: clinical testing. Allele origin: germline.

Mayo Clinic Laboratories, Mayo Clinic
Classification: Benign. Last evaluated: 2021-10-28. Review status: criteria provided, single submitter. Criteria: ACMG Guidelines, 2015. Collection method: clinical testing. Allele origin: germline. Observed: 9 variant alleles.
Comment: BA1

Eurofins Ntd Llc (ga)
Classification: Benign. Last evaluated: 2015-05-08. Review status: criteria provided, single submitter. Criteria: EGL Classification Definitions 2015. Collection method: clinical testing. Allele origin: germline. Observed: 1 variant allele, 1 heterozygote.

Breakthrough Genomics
Classification: Benign. Review status: criteria provided, single submitter. Criteria: ACMG Guidelines, 2015. Collection method: not provided. Allele origin: germline. Inheritance: Autosomal recessive inheritance. Affected: yes.

PreventionGenetics, part of Exact Sciences
Classification: Benign for ABCC2-related condition. Last evaluated: 2019-11-26. Review status: no assertion criteria provided. Collection method: clinical testing. Allele origin: germline. Not counted in ClinVar's aggregate classification.
Comment: This variant is classified as benign based on ACMG/AMP sequence variant interpretation guidelines (Richards et al. 2015 PMID: 25741868, with internal and published modifications).

NM_000392.5(ABCC2):c.3872C>T (p.Pro1291Leu)

Gene: ABCC2 (ATP binding cassette subfamily C member 2; plus strand). Cytogenetic location: 10q24.2.
Variant type: single nucleotide variant.
Coding change: c.3872C>T on transcript NM_000392.5 (MANE Select); coding-DNA position 3872, C replaced by T.
Protein change: p.Pro1291Leu; replaces proline 1291 with leucine.
Molecular consequence: missense variant.
Genome position (GRCh38, 1-based): chr10:99,844,350, C>T. VCF-style: chr10-99844350-C-T. GRCh37 (hg19) VCF-style: chr10-101604107-C-T.
Other names: c.3872C>T, p.Pro1291Leu (LRG_1208t1); short protein forms P1291L.
Identifiers: ClinVar variation 196102 (VCV000196102.17), dbSNP rs17216317, ClinGen allele CA202131.
Genomic context (GRCh38, chr10:99,844,350, plus strand): 5'-AAAACTTACTTCTCATCTTGTCTCCTTGCCAGGCACCCTGGGTGACTGATAAGAGGCCTC[C>T]GCCAGATTGGCCCAGCAAAGGCAAGATCCAGTTTAACAACTACCAAGTGCGGTACCGACC-3'
Protein context (NP_000383.2, residues 1281-1301): EAPWVTDKRP[Pro1291Leu]PDWPSKGKIQ